The following is an entry in ClinVar:

NM_001365088.1(SLC12A6):c.47T>C (p.Met16Thr)

Gene: SLC12A6 (solute carrier family 12 member 6; minus strand). Cytogenetic location: 15q14.
Variant type: single nucleotide variant.
Coding change: c.47T>C on transcript NM_001365088.1 (MANE Select); coding-DNA position 47, T replaced by C.
Protein change: p.Met16Thr; replaces methionine 16 with threonine.
Molecular consequence: missense variant. On other transcripts: intron variant (2).
Genome position (GRCh38, 1-based): chr15:34,336,634, A>G on the plus strand (T>C on the coding strand, the complement: SLC12A6 is on the minus strand). VCF-style: chr15-34336634-A-G. GRCh37 (hg19) VCF-style: chr15-34628835-A-G.
Other names: c.20T>C, p.Met7Thr (NM_001042496.2); c.47T>C, p.Met16Thr (NM_001042497.2, NM_133647.2); c.-98-33T>C (NM_001042495.2, NM_001042494.2); short protein forms M7T, M16T.
Identifiers: ClinVar variation 886694 (VCV000886694.8), dbSNP rs746665611, ClinGen allele CA268641890.

ClinVar aggregate classification (germline): Uncertain significance. Review status: criteria provided, multiple submitters, no conflicts (2 of 4 stars). 3 submissions from 3 submitters: Uncertain significance (2). 1 of the submissions does not count toward it. Last evaluated 2025-09-10.

Conditions:
Agenesis of the corpus callosum with peripheral neuropathy (ACCPN). Also called: Hereditary Motor and Sensory Neuropathy with Agenesis of the Corpus Callosum; CHARLEVOIX DISEASE; POLYNEUROPATHY, SENSORIMOTOR, WITH OR WITHOUT AGENESIS OF THE CORPUS CALLOSUM; HMSN/ACC. Identifiers: Orphanet 1496, MedGen C0795950, MONDO:0000902, OMIM 218000. Disease mechanism: loss of function.

Allele frequency attached by ClinVar (database versions not stated): gnomAD exomes below 0.00001 and 0.00006; gnomAD 0.00004; TOPMed 0.00006.

Submissions (3):

Labcorp Genetics (formerly Invitae), Labcorp
Classification: Uncertain significance. Last evaluated: 2025-09-10. Review status: criteria provided, single submitter. Criteria: Invitae Variant Classification Sherloc (09022015). Collection method: clinical testing. Allele origin: germline.
Comment: This sequence change replaces methionine, which is neutral and non-polar, with threonine, which is neutral and polar, at codon 16 of the SLC12A6 protein (p.Met16Thr). This variant is present in population databases (rs746665611, gnomAD 0.007%). This variant has not been reported in the literature in individuals affected with SLC12A6-related conditions. ClinVar contains an entry for this variant (Variation ID: 886694). Invitae Evidence Modeling of protein sequence and biophysical properties (such as structural, functional, and spatial information, amino acid conservation, physicochemical variation, residue mobility, and thermodynamic stability) indicates that this missense variant is not expected to disrupt SLC12A6 protein function with a negative predictive value of 95%. In summary, the available evidence is currently insufficient to determine the role of this variant in disease. Therefore, it has been classified as a Variant of Uncertain Significance.

Illumina Laboratory Services, Illumina
Classification: Uncertain significance for Agenesis of the corpus callosum with peripheral neuropathy. Last evaluated: 2018-01-13. Review status: criteria provided, single submitter. Criteria: ICSL Variant Classification Criteria 13 December 2019. Collection method: clinical testing. Allele origin: germline.

Natera, Inc.
Classification: Uncertain significance for Andermann syndrome. Last evaluated: 2020-04-18. Review status: no assertion criteria provided. Collection method: clinical testing. Allele origin: germline. Not counted in ClinVar's aggregate classification.